The following is an entry in ClinVar:

ClinVar aggregate classification (germline): Uncertain significance (1 of 4 stars; one submission).

Conditions:
Hereditary pancreatitis (PCTT). Also called: Hereditary chronic pancreatitis; PRSS1-Related Hereditary Pancreatitis. Identifiers: Orphanet 676, MedGen C0238339, MONDO:0008185, OMIM 167800.

Allele frequency attached by ClinVar (database versions not stated): TOPMed below 0.00001; ExAC 0.00001.
gnomAD v4.1: 3 of 1,613,648 alleles (0.00019%); highest among the groups gnomAD compares: South Asian, 0.0011%; no homozygotes.

Submission:

Ambry Genetics
Classification: Uncertain significance for Hereditary pancreatitis. Last evaluated: 2023-11-01. Review status: criteria provided, single submitter. Criteria: Ambry Variant Classification Scheme 2023. Collection method: clinical testing. Allele origin: germline.
Comment: The p.V159M variant (also known as c.475G>A), located in coding exon 4 of the CPA1 gene, results from a G to A substitution at nucleotide position 475. The valine at codon 159 is replaced by methionine, an amino acid with highly similar properties. This amino acid position is conserved. In addition, the in silico prediction for this alteration is inconclusive. Since supporting evidence is limited at this time, the clinical significance of this alteration remains unclear.

NM_001868.4(CPA1):c.475G>A (p.Val159Met)

Gene: CPA1 (carboxypeptidase A1; plus strand). Cytogenetic location: 7q32.2.
Variant type: single nucleotide variant.
Coding change: c.475G>A on transcript NM_001868.4 (MANE Select); coding-DNA position 475, G replaced by A.
Protein change: p.Val159Met; replaces valine 159 with methionine.
Molecular consequence: missense variant.
Genome position (GRCh38, 1-based): chr7:130,382,201, G>A. VCF-style: chr7-130382201-G-A. GRCh37 (hg19) VCF-style: chr7-130022042-G-A.
Other names: short protein forms V159M.
Identifiers: ClinVar variation 3221825 (VCV003221825.1), dbSNP rs782487942, ClinGen allele CA4484802.